The following is an entry in ClinVar:

NM_005876.5(SPEG):c.1711C>A (p.Pro571Thr)

Gene: SPEG (striated muscle enriched protein kinase; plus strand). Cytogenetic location: 2q35.
Variant type: single nucleotide variant.
Coding change: c.1711C>A on transcript NM_005876.5 (MANE Select); coding-DNA position 1711, C replaced by A.
Protein change: p.Pro571Thr; replaces proline 571 with threonine.
Molecular consequence: missense variant.
Genome position (GRCh38, 1-based): chr2:219,448,869, C>A. VCF-style: chr2-219448869-C-A. GRCh37 (hg19) VCF-style: chr2-220313591-C-A.
Other names: short protein forms P571T.
Identifiers: ClinVar variation 1950554 (VCV001950554.3), dbSNP rs1415534685, ClinGen allele CA350723294.

ClinVar aggregate classification (germline): Uncertain significance (1 of 4 stars; one submission).

Allele frequency attached by ClinVar (database versions not stated): gnomAD 0.00001; TOPMed 0.00001.

Submission:

Labcorp Genetics (formerly Invitae), Labcorp
Classification: Uncertain significance. Last evaluated: 2025-12-21. Review status: criteria provided, single submitter. Criteria: Invitae Variant Classification Sherloc (09022015). Collection method: clinical testing. Allele origin: germline.
Comment: This sequence change replaces proline, which is neutral and non-polar, with threonine, which is neutral and polar, at codon 571 of the SPEG protein (p.Pro571Thr). This variant is not present in population databases (gnomAD no frequency). This variant has not been reported in the literature in individuals affected with SPEG-related conditions. ClinVar contains an entry for this variant (Variation ID: 1950554). An algorithm developed to predict the effect of missense changes on protein structure and function (PolyPhen-2) suggests that this variant is likely to be tolerated. In summary, the available evidence is currently insufficient to determine the role of this variant in disease. Therefore, it has been classified as a Variant of Uncertain Significance.